The following is an entry in ClinVar:

NM_001171.6(ABCC6):c.1195G>A (p.Gly399Ser)

Gene: ABCC6 (ATP binding cassette subfamily C member 6; minus strand). Cytogenetic location: 16p13.11.
Variant type: single nucleotide variant.
Coding change: c.1195G>A on transcript NM_001171.6 (MANE Select); coding-DNA position 1195, G replaced by A.
Protein change: p.Gly399Ser; replaces glycine 399 with serine.
Molecular consequence: missense variant. On other transcripts: non-coding transcript variant (1).
Genome position (GRCh38, 1-based): chr16:16,198,164, C>T on the plus strand (G>A on the coding strand, the complement: ABCC6 is on the minus strand). VCF-style: chr16-16198164-C-T. GRCh37 (hg19) VCF-style: chr16-16292021-C-T.
Other names: c.853G>A, p.Gly285Ser (NM_001351800.1); c.1195G>A (NM_001171.5); short protein forms G285S, G399S.
Identifiers: ClinVar variation 1025626 (VCV001025626.6), dbSNP rs368723482, ClinGen allele CA7926409.
Genomic context (GRCh38, chr16:16,198,164, plus strand): 5'-GCTGCACGTCCACGGACACCAGATTGACCACATCACCCACCGCACTGGCCTTTCTGGAGC[C>T]GCTGGACAGAGCCAGGACCTGGCGGGTGGGCAGAAGGAGAGAAGTAAAGTGGGGAGGCCG-3'
Protein context (NP_001162.5, residues 389-409): VYRKVLALSS[Gly399Ser]SRKASAVGDV

ClinVar aggregate classification (germline): Uncertain significance. Review status: criteria provided, multiple submitters, no conflicts (2 of 4 stars). 3 submissions from 3 submitters: Uncertain significance (3). Last evaluated 2026-06-04.

Conditions:
ABCC6-related disorder. Also called: ABCC6-related condition.
Inborn genetic diseases. Identifiers: MedGen C0950123, MeSH D030342.

Allele frequency attached by ClinVar (database versions not stated): ESP Exome Variant Server 0.00008; gnomAD exomes 0.00009 and 0.00010; gnomAD 0.00012; TOPMed 0.00013; ExAC 0.00018.

Submissions (3):

PreventionGenetics, part of Exact Sciences
Classification: Uncertain significance for ABCC6-related condition. Last evaluated: 2026-06-04. Review status: criteria provided, single submitter. Criteria: ACMG Guidelines, 2015. Collection method: clinical testing. Allele origin: germline.
Comment: The ABCC6 c.1195G>A variant is predicted to result in the amino acid substitution p.Gly399Ser. To our knowledge, this variant has not been reported in the literature. This variant is reported in 0.017% of alleles in individuals of South Asian descent in gnomAD. At this time, the clinical significance of this variant is uncertain due to the absence of conclusive functional and genetic evidence.

Labcorp Genetics (formerly Invitae), Labcorp
Classification: Uncertain significance. Last evaluated: 2025-01-23. Review status: criteria provided, single submitter. Criteria: Invitae Variant Classification Sherloc (09022015). Collection method: clinical testing. Allele origin: germline.
Comment: This sequence change replaces glycine, which is neutral and non-polar, with serine, which is neutral and polar, at codon 399 of the ABCC6 protein (p.Gly399Ser). This variant is present in population databases (rs368723482, gnomAD 0.02%). This variant has not been reported in the literature in individuals affected with ABCC6-related conditions. ClinVar contains an entry for this variant (Variation ID: 1025626). Invitae Evidence Modeling of protein sequence and biophysical properties (such as structural, functional, and spatial information, amino acid conservation, physicochemical variation, residue mobility, and thermodynamic stability) indicates that this missense variant is not expected to disrupt ABCC6 protein function with a negative predictive value of 95%. In summary, the available evidence is currently insufficient to determine the role of this variant in disease. Therefore, it has been classified as a Variant of Uncertain Significance.

Ambry Genetics
Classification: Uncertain significance for Inborn genetic diseases. Last evaluated: 2021-11-22. Review status: criteria provided, single submitter. Criteria: Ambry Variant Classification Scheme 2023. Collection method: clinical testing. Allele origin: germline.